The following is an entry in ClinVar:

ClinVar aggregate classification (germline): Uncertain significance (1 of 4 stars; one submission).

Conditions:
Lysosomal acid lipase deficiency. Also called: Acid cholesteryl ester hydrolase deficiency, type 2. Identifiers: Orphanet 275761, MedGen C5574740, MONDO:0800449, MONDO:0010204.

Submission:

3billion
Classification: Uncertain significance for Cholesteryl ester storage disease. Last evaluated: 2023-02-23. Review status: criteria provided, single submitter. Criteria: ACMG Guidelines, 2015. Collection method: clinical testing. Allele origin: unknown. Affected: yes.
Comment: The variant is not observed in the gnomAD v2.1.1 dataset. In silico tool predictions suggest damaging effect of the variant on gene or gene product (REVEL: 0.63; 3Cnet: 0.91). Therefore, this variant is classified as VUS according to the recommendation of ACMG/AMP guideline.

NM_000235.4(LIPA):c.425T>C (p.Phe142Ser)

Gene: LIPA (lipase A, lysosomal acid type; minus strand). Cytogenetic location: 10q23.31.
Variant type: single nucleotide variant.
Coding change: c.425T>C on transcript NM_000235.4 (MANE Select); coding-DNA position 425, T replaced by C.
Protein change: p.Phe142Ser; replaces phenylalanine 142 with serine.
Molecular consequence: missense variant.
Genome position (GRCh38, 1-based): chr10:89,228,203, A>G on the plus strand (T>C on the coding strand, the complement: LIPA is on the minus strand). VCF-style: chr10-89228203-A-G. GRCh37 (hg19) VCF-style: chr10-90987960-A-G.
Other names: c.425T>C, p.Phe142Ser (NM_001127605.3); c.77T>C, p.Phe26Ser (NM_001288979.2); short protein forms F142S, F26S.
Identifiers: ClinVar variation 2444103 (VCV002444103.1), dbSNP rs2495595001, ClinGen allele CA377517727.